The following is an entry in ClinVar:

ClinVar aggregate classification (germline): Uncertain significance (1 of 4 stars; one submission).

Conditions:
Hypertrophic cardiomyopathy 13. Also called: TNNC1-Related Familial Hypertrophic Cardiomyopathy. Identifiers: MedGen C2750472, MONDO:0013195, OMIM 613243.
Dilated cardiomyopathy 1Z (CMD1Z). Identifiers: Orphanet 154, MedGen C2678475, MONDO:0012745, OMIM 611879.

Submission:

Labcorp Genetics (formerly Invitae), Labcorp
Classification: Uncertain significance for Hypertrophic cardiomyopathy 13; Dilated cardiomyopathy 1Z. Last evaluated: 2024-12-04. Review status: criteria provided, single submitter. Criteria: Invitae Variant Classification Sherloc (09022015). Collection method: clinical testing. Allele origin: germline.
Comment: This sequence change replaces lysine, which is basic and polar, with glutamine, which is neutral and polar, at codon 6 of the TNNC1 protein (p.Lys6Gln). This variant is not present in population databases (gnomAD no frequency). This missense change has been observed in individual(s) with hypertrophic cardiomyopathy (PMID: 37652022). An algorithm developed to predict the effect of missense changes on protein structure and function (PolyPhen-2) suggests that this variant is likely to be tolerated. In summary, the available evidence is currently insufficient to determine the role of this variant in disease. Therefore, it has been classified as a Variant of Uncertain Significance.

Literature cited by the submitters: PubMed 37652022.

NM_003280.3(TNNC1):c.16A>C (p.Lys6Gln)

Gene: TNNC1 (troponin C1, slow skeletal and cardiac type; minus strand). Cytogenetic location: 3p21.1.
Variant type: single nucleotide variant.
Coding change: c.16A>C on transcript NM_003280.3 (MANE Select); coding-DNA position 16, A replaced by C.
Protein change: p.Lys6Gln; replaces lysine 6 with glutamine.
Molecular consequence: missense variant.
Genome position (GRCh38, 1-based): chr3:52,454,000, T>G on the plus strand (A>C on the coding strand, the complement: TNNC1 is on the minus strand). VCF-style: chr3-52454000-T-G. GRCh37 (hg19) VCF-style: chr3-52488016-T-G.
Other names: short protein forms K6Q.
Identifiers: ClinVar variation 3759636 (VCV003759636.2).